The following is an entry in ClinVar:

NM_004984.4(KIF5A):c.466G>A (p.Val156Met)

Gene: KIF5A (kinesin family member 5A; plus strand). Cytogenetic location: 12q13.3.
Variant type: single nucleotide variant.
Coding change: c.466G>A on transcript NM_004984.4 (MANE Select); coding-DNA position 466, G replaced by A.
Protein change: p.Val156Met; replaces valine 156 with methionine.
Molecular consequence: missense variant.
Genome position (GRCh38, 1-based): chr12:57,564,938, G>A. VCF-style: chr12-57564938-G-A. GRCh37 (hg19) VCF-style: chr12-57958721-G-A.
Other names: c.199G>A, p.Val67Met (NM_001354705.2); c.466G>A (NM_004984.2); short protein forms V156M, V67M.
Identifiers: ClinVar variation 2142859 (VCV002142859.6), dbSNP rs1273893076, ClinGen allele CA385495723.

ClinVar aggregate classification (germline): Conflicting classifications of pathogenicity. Review status: criteria provided, conflicting classifications (1 of 4 stars). 2 submissions from 2 submitters: Likely pathogenic (1); Uncertain significance (1). Last evaluated 2023-08-10.

Conditions:
Inborn genetic diseases. Identifiers: MedGen C0950123, MeSH D030342.
Spastic paraplegia. Identifiers: MedGen C0037772, HP:0001258.

Allele frequency attached by ClinVar (database versions not stated): gnomAD exomes below 0.00001; gnomAD 0.00001; TOPMed 0.00001.

Submissions (2):

Ambry Genetics
Classification: Uncertain significance for Inborn genetic diseases. Last evaluated: 2023-08-10. Review status: criteria provided, single submitter. Criteria: Ambry Variant Classification Scheme 2023. Collection method: clinical testing. Allele origin: germline.

Labcorp Genetics (formerly Invitae), Labcorp
Classification: Likely pathogenic for Spastic paraplegia. Last evaluated: 2022-11-15. Review status: criteria provided, single submitter. Criteria: Invitae Variant Classification Sherloc (09022015). Collection method: clinical testing. Allele origin: germline.
Comment: This sequence change replaces valine, which is neutral and non-polar, with methionine, which is neutral and non-polar, at codon 156 of the KIF5A protein (p.Val156Met). This variant is present in population databases (no rsID available, gnomAD 0.0009%). This missense change has been observed in individuals with clinical features of amyotrophic lateral sclerosis (Invitae). Advanced modeling of protein sequence and biophysical properties (such as structural, functional, and spatial information, amino acid conservation, physicochemical variation, residue mobility, and thermodynamic stability) has been performed at Invitae for this missense variant, however the output from this modeling did not meet the statistical confidence thresholds required to predict the impact of this variant on KIF5A protein function. In summary, the currently available evidence indicates that the variant is pathogenic, but additional data are needed to prove that conclusively. Therefore, this variant has been classified as Likely Pathogenic.